The following is an entry in ClinVar:

ClinVar aggregate classification (germline): Likely benign (1 of 4 stars; one submission).

gnomAD v4.1: 14 of 1,613,646 alleles (0.00087%); highest among the groups gnomAD compares: East Asian, 0.0045%; no homozygotes.

Submission:

CeGaT Center for Human Genetics Tuebingen
Classification: Likely benign. Last evaluated: 2026-07-01. Review status: criteria provided, single submitter. Criteria: CeGaT Center For Human Genetics Tuebingen Variant Classification Criteria Version 2. Collection method: clinical testing. Allele origin: germline. Affected: yes. Observed: 1 variant allele.
Comment: SETD2: BP4

NM_014159.7(SETD2):c.2569G>A (p.Gly857Ser)

Gene: SETD2 (SET domain containing 2, histone lysine methyltransferase; minus strand). Cytogenetic location: 3p21.31.
Variant type: single nucleotide variant.
Coding change: c.2569G>A on transcript NM_014159.7 (MANE Select); coding-DNA position 2569, G replaced by A.
Protein change: p.Gly857Ser; replaces glycine 857 with serine.
Molecular consequence: missense variant. On other transcripts: non-coding transcript variant (1).
Genome position (GRCh38, 1-based): chr3:47,122,067, C>T on the plus strand (G>A on the coding strand, the complement: SETD2 is on the minus strand). VCF-style: chr3-47122067-C-T. GRCh37 (hg19) VCF-style: chr3-47163557-C-T.
Other names: c.2437G>A, p.Gly813Ser (NM_001349370.3); short protein forms G813S, G857S.
Identifiers: ClinVar variation 5038980 (VCV005038980.1).